The following is an entry in ClinVar:

ClinVar aggregate classification (germline): Uncertain significance (1 of 4 stars; one submission).

Submission:

Pediatric Department, Xiangya Hospital, Central South University
Classification: Uncertain significance. Review status: criteria provided, single submitter. Criteria: ACMG Guidelines, 2015. Collection method: clinical testing. Allele origin: paternal. Inheritance: Autosomal recessive inheritance. Affected: yes. Observed: 2 compound heterozygotes. Clinical features observed: Generalized myoclonic seizure, Intention tremor, Neurodevelopmental delay.
Comment: This variant was observed in compound heterozygosity with variant (c.331G>C)

NM_020745.4(AARS2):c.2682+5G>A

Gene: AARS2 (alanyl-tRNA synthetase 2, mitochondrial; minus strand). Cytogenetic location: 6p21.1.
Variant type: single nucleotide variant.
Coding change: c.2682+5G>A on transcript NM_020745.4 (MANE Select); 5 bases into the intron after coding-DNA position 2682, G replaced by A.
Molecular consequence: intron variant.
Genome position (GRCh38, 1-based): chr6:44,301,376, C>T on the plus strand (G>A on the coding strand, the complement: AARS2 is on the minus strand). VCF-style: chr6-44301376-C-T. GRCh37 (hg19) VCF-style: chr6-44269113-C-T.
Identifiers: ClinVar variation 1802985 (VCV001802985.1), dbSNP rs2534645246, ClinGen allele CA2580614890.